The following is an entry in ClinVar:

ClinVar aggregate classification (germline): Benign. Review status: criteria provided, single submitter (1 of 4 stars). 2 submissions from 2 submitters: Benign (1). 1 of the submissions does not count toward it. Last evaluated 2025-07-30.

Conditions:
MAFB-related disorder. Also called: MAFB-related condition.

Allele frequency attached by ClinVar (database versions not stated): gnomAD exomes 0.00007 and 0.00018; ExAC 0.00016; ESP Exome Variant Server 0.00054; gnomAD 0.00073 and 0.00079; TOPMed 0.00077.

Submissions (2):

Labcorp Genetics (formerly Invitae), Labcorp
Classification: Benign. Last evaluated: 2025-07-30. Review status: criteria provided, single submitter. Criteria: Invitae Variant Classification Sherloc (09022015). Collection method: clinical testing. Allele origin: germline.

PreventionGenetics, part of Exact Sciences
Classification: Likely benign for MAFB-related condition. Last evaluated: 2023-11-30. Review status: no assertion criteria provided. Collection method: clinical testing. Allele origin: germline. Not counted in ClinVar's aggregate classification.
Comment: This variant is classified as likely benign based on ACMG/AMP sequence variant interpretation guidelines (Richards et al. 2015 PMID: 25741868, with internal and published modifications).

NM_005461.5(MAFB):c.714C>T (p.Arg238=)

Gene: MAFB (MAF bZIP transcription factor B; minus strand). Cytogenetic location: 20q12.
Variant type: single nucleotide variant.
Coding change: c.714C>T on transcript NM_005461.5 (MANE Select); coding-DNA position 714, C replaced by T.
Protein change: p.Arg238=; no amino-acid change (arginine 238 retained).
Molecular consequence: synonymous variant.
Genome position (GRCh38, 1-based): chr20:40,688,137, G>A on the plus strand (C>T on the coding strand, the complement: MAFB is on the minus strand). VCF-style: chr20-40688137-G-A. GRCh37 (hg19) VCF-style: chr20-39316777-G-A.
Identifiers: ClinVar variation 784409 (VCV000784409.11), dbSNP rs141173032, ClinGen allele CA9857755.
Genomic context (GRCh38, chr20:40,688,137, plus strand): 5'-TTTATACCTGCAAGACTGGGCGTAGCCCCGGTTCTTCAGGGTCCGCCGCTTCTGCTTCAG[G>A]CGGATCACCTCGTCCTTGGTGAAGCCCCGCAGGTGGCGGTTCAGCTCGCGCACGGACATG-3'
Protein context (NP_005452.2, residues 228-248): LRGFTKDEVI[Arg238=]LKQKRRTLKN